The following is an entry in ClinVar:

ClinVar aggregate classification (germline): Uncertain significance (1 of 4 stars; one submission).

Submission:

Labcorp Genetics (formerly Invitae), Labcorp
Classification: Uncertain significance. Last evaluated: 2021-06-05. Review status: criteria provided, single submitter. Criteria: Invitae Variant Classification Sherloc (09022015). Collection method: clinical testing. Allele origin: germline.
Comment: This variant is not present in population databases (ExAC no frequency). This sequence change replaces glutamine with histidine at codon 110 of the RORB protein (p.Gln110His). The glutamine residue is moderately conserved and there is a small physicochemical difference between glutamine and histidine. In summary, the available evidence is currently insufficient to determine the role of this variant in disease. Therefore, it has been classified as a Variant of Uncertain Significance. Algorithms developed to predict the effect of missense changes on protein structure and function are either unavailable or do not agree on the potential impact of this missense change (SIFT: "Deleterious"; PolyPhen-2: "Benign"; Align-GVGD: "Class C0"). This variant has not been reported in the literature in individuals with RORB-related conditions.

NM_006914.4(RORB):c.330G>C (p.Gln110His)

Gene: RORB (RAR related orphan receptor B; plus strand). Cytogenetic location: 9q21.13.
Variant type: single nucleotide variant.
Coding change: c.330G>C on transcript NM_006914.4 (MANE Select); coding-DNA position 330, G replaced by C.
Protein change: p.Gln110His; replaces glutamine 110 with histidine.
Molecular consequence: missense variant.
Genome position (GRCh38, 1-based): chr9:74,642,508, G>C. VCF-style: chr9-74642508-G-C. GRCh37 (hg19) VCF-style: chr9-77257424-G-C.
Other names: c.363G>C, p.Gln121His (NM_001365023.1); short protein forms Q110H, Q121H.
Identifiers: ClinVar variation 1471107 (VCV001471107.8), dbSNP rs1164566126, ClinGen allele CA373769621.
Genomic context (GRCh38, chr9:74,642,508, plus strand): 5'-GGACAGCCTGTATGCTGAGGTGCAGAAGCACCAGCAGCGGCTGCAGGAACAGCGGCAGCA[G>C]CAGAGTGGGGAGGCAGAAGCCCTTGCCAGGGTGTACAGCAGCAGCATTAGCAACGGCCTG-3'
Protein context (NP_008845.2, residues 100-120): HQQRLQEQRQ[Gln110His]QSGEAEALAR